The following is an entry in ClinVar:

NM_025216.3(WNT10A):c.1124T>C (p.Met375Thr)

Gene: WNT10A (Wnt family member 10A; plus strand). Cytogenetic location: 2q35.
Variant type: single nucleotide variant.
Coding change: c.1124T>C on transcript NM_025216.3 (MANE Select); coding-DNA position 1124, T replaced by C.
Protein change: p.Met375Thr; replaces methionine 375 with threonine.
Molecular consequence: missense variant.
Genome position (GRCh38, 1-based): chr2:218,893,141, T>C. VCF-style: chr2-218893141-T-C. GRCh37 (hg19) VCF-style: chr2-219757863-T-C.
Other names: short protein forms M375T.
Identifiers: ClinVar variation 2577027 (VCV002577027.2), dbSNP rs773598047, ClinGen allele CA350591740.

ClinVar aggregate classification (germline): Uncertain significance. Review status: criteria provided, single submitter (1 of 4 stars). 2 submissions from 2 submitters: Uncertain significance (1). 1 of the submissions does not count toward it. Last evaluated 2024-01-10.

Conditions:
Tooth agenesis, selective, 4 (STHAG4). Also called: TOOTH AGENESIS, SELECTIVE, 4, WITH OR WITHOUT ECTODERMAL DYSPLASIA; LATERAL INCISORS, ABSENCE OF; LATERAL INCISORS, PEGGED OR MISSING; SUCCEDANEOUS TEETH, AGENESIS OF. Identifiers: Orphanet 99798, MedGen C1835492, MONDO:0007881, OMIM 150400. Disease mechanism: loss of function.

gnomAD v4.1: 7 of 1,591,994 alleles (0.00044%); highest among the groups gnomAD compares: South Asian, 0.0011%; no homozygotes.

Submissions (2):

3billion
Classification: Uncertain significance for Tooth agenesis, selective, 4. Last evaluated: 2024-01-10. Review status: criteria provided, single submitter. Criteria: ACMG Guidelines, 2015. Collection method: clinical testing. Allele origin: germline. Affected: yes.
Comment: The variant is not observed in the gnomAD v2.1.1 dataset. Predicted Consequence/Location: Missense variant In silico tool predictions suggest damaging effect of the variant on gene or gene product [REVEL: 0.90 (>=0.6, sensitivity 0.68 and specificity 0.92); 3Cnet: 0.85 (>=0.6, sensitivity 0.72 and precision 0.9)]. Same nucleotide change resulting in same amino acid change has been previously reported to be associated with WNT10A related disorder (PMID: 23167694). However, the evidence of pathogenicity is insufficient at this time. Therefore, this variant is classified as VUS according to the recommendation of ACMG/AMP guideline.

Department of Second Dental Center, Ninth People’s Hospital, Shanghai Jiao Tong University School of Medicine
Classification: Likely pathogenic, low penetrance for Tooth agenesis, selective, 4. Review status: no assertion criteria provided. Collection method: clinical testing. Allele origin: germline. Affected: yes. Not counted in ClinVar's aggregate classification.

Literature cited by the submitters: PubMed 23167694 (cited by 3billion); PubMed 36071541 (cited by Department of Second Dental Center, Ninth People’s Hospital, Shanghai Jiao Tong University School of Medicine).